The following is an entry in ClinVar:

ClinVar aggregate classification (germline): Pathogenic (0 of 4 stars; one submission).
ClinVar aggregate classification (somatic clinical impact): Tier I - Strong (1 of 4 stars; one submission).

Conditions:
Neuroblastoma, susceptibility to, 3. Also called: ALK-Related Neuroblastic Tumor Susceptibility. Identifiers: Orphanet 635, MedGen C2751681, MONDO:0013083, OMIM 613014.
Neuroblastoma (NB). Identifiers: Orphanet 635, MedGen C0027819, MeSH D009447, MONDO:0005072, HP:0003006.

Submissions (2):

Institute for Genomic Medicine (IGM) Clinical Laboratory, Nationwide Children's Hospital
Classification: Tier I - Strong for Neuroblastoma. Assertion type: diagnostic. Clinical significance: supports diagnosis. Last evaluated: 2024-03-01. Review status: criteria provided, single submitter. Criteria: AMP/ASCO/CAP Guidelines, 2017. Collection method: clinical testing. Allele origin: somatic. Affected: yes.
Comment: Variant has Tier I (strong) clinical significance as a diagnostic inclusion criterion in neuroblastoma, based on the following evidence: 1) Documented in one or more cancer databases (e.g., St. Jude Pecan, COSMIC, CIViC, OncoKB). 2) Appears in one or more well-established professional guidelines (e.g., World Health Organization [WHO]; National Comprehensive Cancer Network [NCCN]) as providing diagnostic, prognostic, or therapeutic information (PMIDs: 25435121, 25517749). 3) Information in the literature supports potential biologic effect of variant (PMIDs: 18923525, 25517749, 18724359, 29374774). 4) Diagnostic for a specific tumor type/classification based on well-powered studies with expert-level consensus (Evidence Level B; PMID: 23334666).

Genomic Diagnostic Laboratory, Division of Genomic Diagnostics, Children's Hospital of Philadelphia
Classification: Pathogenic for Neuroblastoma, susceptibility to, 3. Last evaluated: 2015-11-06. Review status: no assertion criteria provided. Collection method: clinical testing. Allele origin: somatic. Affected: yes. Observed: 2 variant alleles.
Comment: Clinical Testing

Literature cited by the submitters: PubMed 25435121 (cited by Institute for Genomic Medicine (IGM) Clinical Laboratory, Nationwide Children's Hospital); PubMed 25517749 (cited by Institute for Genomic Medicine (IGM) Clinical Laboratory, Nationwide Children's Hospital); PubMed 18923525 (cited by Institute for Genomic Medicine (IGM) Clinical Laboratory, Nationwide Children's Hospital); PubMed 18724359 (cited by Institute for Genomic Medicine (IGM) Clinical Laboratory, Nationwide Children's Hospital); PubMed 29374774 (cited by Institute for Genomic Medicine (IGM) Clinical Laboratory, Nationwide Children's Hospital); PubMed 23334666 (cited by Institute for Genomic Medicine (IGM) Clinical Laboratory, Nationwide Children's Hospital).

NM_004304.5(ALK):c.3522C>G (p.Phe1174Leu)

Gene: ALK (ALK receptor tyrosine kinase; minus strand). Cytogenetic location: 2p23.2.
Variant type: single nucleotide variant.
Coding change: c.3522C>G on transcript NM_004304.5 (MANE Select); coding-DNA position 3522, C replaced by G.
Protein change: p.Phe1174Leu; replaces phenylalanine 1174 with leucine.
Molecular consequence: missense variant.
Genome position (GRCh38, 1-based): chr2:29,220,829, G>C on the plus strand (C>G on the coding strand, the complement: ALK is on the minus strand). VCF-style: chr2-29220829-G-C. GRCh37 (hg19) VCF-style: chr2-29443695-G-C.
Other names: c.318C>G, p.Phe106Leu (NM_001353765.2); short protein forms F1174L, F106L.
Identifiers: ClinVar variation 217852 (VCV000217852.2), dbSNP rs863225281, ClinGen allele CA279616.